The following is an entry in ClinVar:

NM_002691.4(POLD1):c.882C>T (p.Asp294=)

Gene: POLD1 (DNA polymerase delta 1, catalytic subunit; plus strand). Cytogenetic location: 19q13.33.
Variant type: single nucleotide variant.
Coding change: c.882C>T on transcript NM_002691.4 (MANE Select); coding-DNA position 882, C replaced by T.
Protein change: p.Asp294=; no amino-acid change (aspartic acid 294 retained).
Molecular consequence: synonymous variant. On other transcripts: non-coding transcript variant (1).
Genome position (GRCh38, 1-based): chr19:50,402,653, C>T. VCF-style: chr19-50402653-C-T. GRCh37 (hg19) VCF-style: chr19-50905910-C-T.
Other names: c.882C>T, p.Asp294= (NM_001256849.1, NM_001308632.1).
Identifiers: ClinVar variation 239372 (VCV000239372.18), dbSNP rs773148463, ClinGen allele CA9595940.

ClinVar aggregate classification (germline): Benign/Likely benign. Review status: criteria provided, multiple submitters, no conflicts (2 of 4 stars). 5 submissions from 5 submitters: Benign (1); Likely benign (3). 1 of the submissions does not count toward it. Last evaluated 2026-01-26.

Conditions:
Hereditary cancer-predisposing syndrome. Also called: Hereditary Cancer Syndrome; Neoplastic Syndromes, Hereditary; Hereditary neoplastic syndrome; Tumor predisposition. Identifiers: Orphanet 140162, MedGen C0027672, MeSH D009386, MONDO:0015356.
POLD1-related polyposis and colorectal cancer syndrome (CRCS10). Also called: COLORECTAL CANCER, SUSCEPTIBILITY TO, ON CHROMOSOME 19q; Colorectal cancer 10; Colorectal cancer, susceptibility to, 10. Identifiers: Orphanet 220460, MedGen C2675481, MONDO:0012953, OMIM 612591.
POLD1-related disorder. Also called: POLD1-related condition; POLD1-related disorders.

Allele frequency attached by ClinVar (database versions not stated): gnomAD 0.00001; ExAC 0.00002; TOPMed 0.00002.
gnomAD v4.1: 11 of 1,589,914 alleles (0.00069%); highest among the groups gnomAD compares: Admixed American, 0.0036%; no homozygotes.

Submissions (5):

Labcorp Genetics (formerly Invitae), Labcorp
Classification: Likely benign for POLD1-related polyposis and colorectal cancer syndrome. Last evaluated: 2026-01-26. Review status: criteria provided, single submitter. Criteria: Invitae Variant Classification Sherloc (09022015). Collection method: clinical testing. Allele origin: germline.

Myriad Genetics, Inc.
Classification: Benign for POLD1-related polyposis and colorectal cancer syndrome. Last evaluated: 2025-02-05. Review status: criteria provided, single submitter. Criteria: Myriad Autosomal Dominant, Autosomal Recessive and X-Linked Classification Criteria (2023). Collection method: clinical testing. Allele origin: unknown.
Comment: This variant is considered benign. This variant is a silent/synonymous amino acid change and it is not expected to impact splicing.

GeneDx
Classification: Likely benign. Last evaluated: 2015-11-25. Review status: criteria provided, single submitter. Criteria: GeneDx Variant Classification (06012015). Collection method: clinical testing. Allele origin: germline. Affected: yes.
Comment: This variant is considered likely benign or benign based on one or more of the following criteria: it is a conservative change, it occurs at a poorly conserved position in the protein, it is predicted to be benign by multiple in silico algorithms, and/or has population frequency not consistent with disease.

Ambry Genetics
Classification: Likely benign for Hereditary cancer-predisposing syndrome. Last evaluated: 2015-07-16. Review status: criteria provided, single submitter. Criteria: Ambry Variant Classification Scheme 2023. Collection method: clinical testing. Allele origin: germline.

PreventionGenetics, part of Exact Sciences
Classification: Likely benign for POLD1-related condition. Last evaluated: 2024-08-25. Review status: no assertion criteria provided. Collection method: clinical testing. Allele origin: germline. Not counted in ClinVar's aggregate classification.
Comment: This variant is classified as likely benign based on ACMG/AMP sequence variant interpretation guidelines (Richards et al. 2015 PMID: 25741868, with internal and published modifications).